The following is an entry in ClinVar:

ClinVar aggregate classification (germline): Pathogenic/Likely pathogenic. Review status: criteria provided, multiple submitters, no conflicts (2 of 4 stars). 3 submissions from 3 submitters: Pathogenic (2); Likely pathogenic (1). Last evaluated 2023-02-04.

Conditions:
USH2A-related disorder. Also called: USH2A-related disorders; USH2A-related condition. Identifiers: MedGen CN239332.
Retinitis pigmentosa 39 (RP39). Identifiers: Orphanet 791, MedGen C3151138, MONDO:0013436, OMIM 613809.

Submissions (3):

Baylor Genetics
Classification: Pathogenic for Retinitis pigmentosa 39. Last evaluated: 2023-02-04. Review status: criteria provided, single submitter. Criteria: ACMG Guidelines, 2015. Collection method: clinical testing. Allele origin: unknown.

Labcorp Genetics (formerly Invitae), Labcorp
Classification: Pathogenic. Last evaluated: 2021-12-24. Review status: criteria provided, single submitter. Criteria: Invitae Variant Classification Sherloc (09022015). Collection method: clinical testing. Allele origin: germline.
Comment: This sequence change creates a premature translational stop signal (p.Leu843Profs*8) in the USH2A gene. It is expected to result in an absent or disrupted protein product. Loss-of-function variants in USH2A are known to be pathogenic (PMID: 10729113, 10909849, 20507924, 25649381). For these reasons, this variant has been classified as Pathogenic. ClinVar contains an entry for this variant (Variation ID: 1071995). This premature translational stop signal has been observed in individual(s) with Usher Syndrome Type II (PMID: 18273898). This variant is not present in population databases (gnomAD no frequency).

Blueprint Genetics
Classification: Likely pathogenic for USH2A-related disorders. Last evaluated: 2019-10-24. Review status: criteria provided, single submitter. Criteria: ACMG Guidelines, 2015. Collection method: clinical testing. Allele origin: germline. Affected: yes. Observed: 3 variant alleles.

Literature cited by the submitters: PubMed 10729113 (cited by Labcorp Genetics (formerly Invitae), Labcorp); PubMed 10909849 (cited by Labcorp Genetics (formerly Invitae), Labcorp); PubMed 20507924 (cited by Labcorp Genetics (formerly Invitae), Labcorp); PubMed 25649381 (cited by Labcorp Genetics (formerly Invitae), Labcorp); PubMed 18273898 (cited by Labcorp Genetics (formerly Invitae), Labcorp).

NM_206933.4(USH2A):c.2525dup (p.Leu843fs)

Genes: USH2A (usherin; minus strand), LOC122152296 (Sharpr-MPRA regulatory region 8762; plus strand). Cytogenetic location: 1q41.
Variant type: Duplication.
Coding change: c.2525dup on transcript NM_206933.4 (MANE Select); coding-DNA position 2525, one base duplicated (T; older notation c.2525dupT).
Protein change: p.Leu843fs; shifts the reading frame from leucine 843.
Molecular consequence: frameshift variant.
Genome position (GRCh38, 1-based): chr1:216,246,869, A duplicated on the plus strand (T on the coding strand, the reverse complement: USH2A is on the minus strand); the first of 3 consecutive A bases (chr1:216,246,869-216,246,871); duplicating any one gives the same sequence. VCF-style (leftmost placement, unchanged base first): chr1-216246868-G-GA. GRCh37 (hg19) VCF-style: chr1-216420210-G-GA.
Other names: c.2525dup, p.Leu843fs (NM_007123.6); short protein forms L843fs.
Identifiers: ClinVar variation 1071995 (VCV001071995.11), dbSNP rs1403136669, ClinGen allele CA731431550.